The following is an entry in ClinVar:

NM_007373.4(SHOC2):c.806A>G (p.Gln269Arg)

Gene: SHOC2 (SHOC2 leucine rich repeat scaffold protein; plus strand). Cytogenetic location: 10q25.2.
Variant type: single nucleotide variant.
Coding change: c.806A>G on transcript NM_007373.4 (MANE Select); coding-DNA position 806, A replaced by G.
Protein change: p.Gln269Arg; replaces glutamine 269 with arginine.
Molecular consequence: missense variant. On other transcripts: non-coding transcript variant (1), intron variant (1).
Genome position (GRCh38, 1-based): chr10:110,985,730, A>G. VCF-style: chr10-110985730-A-G. GRCh37 (hg19) VCF-style: chr10-112745488-A-G.
Other names: c.806A>G, p.Gln269Arg (NM_001324336.2, NM_001324337.2); c.704-14685A>G (NM_001269039.3); short protein forms Q269R.
Identifiers: ClinVar variation 218698 (VCV000218698.18), dbSNP rs864309599, ClinGen allele CA249249.

ClinVar aggregate classification (germline): Conflicting classifications of pathogenicity. Review status: criteria provided, conflicting classifications (1 of 4 stars). 8 submissions from 8 submitters: Pathogenic (1); Likely pathogenic (3); Uncertain significance (3). 1 of the submissions does not count toward it. Last evaluated 2024-07-18.

Conditions:
Noonan syndrome (NS). Also called: Noonan's syndrome. Identifiers: Orphanet 648, MedGen C0028326, MeSH D009634, MONDO:0018997. Disease mechanism: gain of function.
SHOC2-related disorder. Also called: SHOC2-related condition.
RASopathy. Also called: rasopathies; Noonan spectrum disorder. Identifiers: Orphanet 536391, MedGen C5555857, MONDO:0021060.
Noonan syndrome-like disorder with loose anagen hair (NS/LAH). Also called: Noonan-like syndrome with loose anagen hair. Identifiers: Orphanet 2701, MedGen C1843181, MONDO:0011899.
Noonan syndrome-like disorder with loose anagen hair 1 (NSLH1). Also called: MAZZANTI SYNDROME; TOSTI SYNDROME. Identifiers: Orphanet 2701, MedGen C4478716, MONDO:0054637, OMIM 607721.

Allele frequency attached by ClinVar (database versions not stated): gnomAD exomes below 0.00001.
gnomAD v4.1: 2 of 1,613,338 alleles (0.00012%); highest among the groups gnomAD compares: East Asian, 0.0022%; no homozygotes.

Submissions (8):

Women's Health and Genetics/Laboratory Corporation of America, LabCorp
Classification: Pathogenic for Noonan syndrome-like disorder with loose anagen hair. Last evaluated: 2024-07-18. Review status: criteria provided, single submitter. Criteria: LabCorp Variant Classification Summary - May 2015. Collection method: clinical testing. Allele origin: germline.
Comment: Variant summary: SHOC2 c.806A>G (p.Gln269Arg) results in a conservative amino acid change in the encoded protein sequence. Three of five in-silico tools predict a benign effect of the variant on protein function. The variant was absent in 251388 control chromosomes. c.806A>G has been reported in the literature as de novo in two unrelated individuals affected with cllinical features of Noonan Syndrome (Motta_2022) and 1 individual with possible neurological disorder and the variant was inherited from the mosaic mother (Marouane_2023). These data indicate that the variant may be associated with disease. At least one publication reports experimental evidence evaluating an impact on protein function. The study showed increased stimulus-dependent downstream MAPK signaling and enhance binding of SHOC2 to MRAS and PPP1CB in an in vitro cell assay (Motta_2022). The following publications have been ascertained in the context of this evaluation (PMID: 38259611, 35348676). ClinVar contains an entry for this variant (Variation ID: 218698). Based on the evidence outlined above, the variant was classified as pathogenic.

GeneDx
Classification: Likely pathogenic. Last evaluated: 2024-05-30. Review status: criteria provided, single submitter. Criteria: GeneDx Variant Classification Process June 2021. Collection method: clinical testing. Allele origin: germline. Affected: yes.
Comment: In silico analysis supports that this missense variant has a deleterious effect on protein structure/function; Not observed at significant frequency in large population cohorts (gnomAD); This variant is associated with the following publications: (PMID: 29493581, 35831509, 33673806, 36579329, 35348676, 37074066)

PreventionGenetics, part of Exact Sciences
Classification: Uncertain significance for SHOC2-related condition. Last evaluated: 2023-02-22. Review status: criteria provided, single submitter. Criteria: ACMG Guidelines, 2015. Collection method: clinical testing. Allele origin: germline.
Comment: The SHOC2 c.806A>G variant is predicted to result in the amino acid substitution p.Gln269Arg. This variant was reported in an individual with hypertrophic cardiomyopathy (Additional file 2 - Hathaway et al. 2021. PubMed ID: 33673806). Additionally, a different variant affecting this amino acid (p.Gln269_His270delinsHisTyr) has been reported in a fetus with prenatal-onset hypertrophic cardiomyopathy (Motta et al. 2019. PubMed ID: 31059601). This variant has not been reported in a large population database, indicating this variant is rare. In ClinVar, this variant has conflicting interpretations of pathogenicity of uncertain and likely pathogenic. Although we suspect that this variant may be pathogenic, at this time, the clinical significance of this variant is uncertain due to the absence of conclusive functional and genetic evidence.

Blueprint Genetics
Classification: Likely pathogenic for SHOC2-related disorders. Last evaluated: 2022-04-05. Review status: criteria provided, single submitter. Criteria: ACMG Guidelines, 2015. Collection method: clinical testing. Allele origin: de novo. Affected: yes. Observed: 4 variant alleles.

Labcorp Genetics (formerly Invitae), Labcorp
Classification: Uncertain significance for RASopathy. Last evaluated: 2022-02-27. Review status: criteria provided, single submitter. Criteria: Invitae Variant Classification Sherloc (09022015). Collection method: clinical testing. Allele origin: germline.
Comment: This sequence change replaces glutamine, which is neutral and polar, with arginine, which is basic and polar, at codon 269 of the SHOC2 protein (p.Gln269Arg). In summary, the available evidence is currently insufficient to determine the role of this variant in disease. Therefore, it has been classified as a Variant of Uncertain Significance. Algorithms developed to predict the effect of missense changes on protein structure and function are either unavailable or do not agree on the potential impact of this missense change (SIFT: "Deleterious"; PolyPhen-2: "Probably Damaging"; Align-GVGD: "Class C0"). ClinVar contains an entry for this variant (Variation ID: 218698). This missense change has been observed in individual(s) with SHOC2-related conditions (PMID: 33673806). This variant is not present in population databases (gnomAD no frequency).

Tartaglia Lab, Genetics and Rare Diseases Research Division, Bambino Gesu' Children's Hospital
Classification: Likely pathogenic for Noonan syndrome-like disorder with loose anagen hair 1. Last evaluated: 2022-01-05. Review status: criteria provided, single submitter. Criteria: ACMG Guidelines, 2015. Collection method: research. Allele origin: de novo. Affected: yes.

Genomic Diagnostic Laboratory, Division of Genomic Diagnostics, Children's Hospital of Philadelphia
Classification: Uncertain significance. Last evaluated: 2015-06-25. Review status: criteria provided, single submitter. Criteria: DGD Variant Analysis Guidelines. Collection method: clinical testing. Allele origin: unknown.

Service de Génétique Moléculaire, Hôpital Robert Debré
Classification: Likely pathogenic for Noonan syndrome. Last evaluated: 2018-11-28. Review status: no assertion criteria provided. Collection method: clinical testing. Allele origin: de novo. Inheritance: Sporadic. Affected: yes. Observed: 1 heterozygote. Not counted in ClinVar's aggregate classification.

Literature cited by the submitters: PubMed 33673806 (cited by Women's Health and Genetics/Laboratory Corporation of America, LabCorp and Labcorp Genetics (formerly Invitae), Labcorp); PubMed 38259611 (cited by Women's Health and Genetics/Laboratory Corporation of America, LabCorp); PubMed 35348676 (cited by Women's Health and Genetics/Laboratory Corporation of America, LabCorp).